The following is an entry in ClinVar:

NM_020937.4(FANCM):c.3835G>A (p.Ala1279Thr)

Gene: FANCM (FA complementation group M; plus strand). Cytogenetic location: 14q21.2.
Variant type: single nucleotide variant.
Coding change: c.3835G>A on transcript NM_020937.4 (MANE Select); coding-DNA position 3835, G replaced by A.
Protein change: p.Ala1279Thr; replaces alanine 1279 with threonine.
Molecular consequence: missense variant.
Genome position (GRCh38, 1-based): chr14:45,176,589, G>A. VCF-style: chr14-45176589-G-A. GRCh37 (hg19) VCF-style: chr14-45645792-G-A.
Other names: c.3757G>A, p.Ala1253Thr (NM_001308133.2); short protein forms A1279T, A1253T.
Identifiers: ClinVar variation 4022660 (VCV004022660.1).

ClinVar aggregate classification (germline): Uncertain significance (1 of 4 stars; one submission).

Conditions:
Inborn genetic diseases. Identifiers: MedGen C0950123, MeSH D030342.

gnomAD v4.1: 7 of 1,607,696 alleles (0.00044%); highest among the groups gnomAD compares: South Asian, 0.0067%; no homozygotes.

Submission:

Ambry Genetics
Classification: Uncertain significance for Inborn genetic diseases. Last evaluated: 2025-04-06. Review status: criteria provided, single submitter. Criteria: Ambry Variant Classification Scheme 2023. Collection method: clinical testing. Allele origin: germline.
Comment: The p.A1279T variant (also known as c.3835G>A), located in coding exon 14 of the FANCM gene, results from a G to A substitution at nucleotide position 3835. The alanine at codon 1279 is replaced by threonine, an amino acid with similar properties. This amino acid position is conserved. In addition, this alteration is predicted to be tolerated by in silico analysis. Based on the available evidence, the clinical significance of this variant remains unclear.